The following is an entry in ClinVar:

ClinVar aggregate classification (germline): Uncertain significance. Review status: criteria provided, multiple submitters, no conflicts (2 of 4 stars). 2 submissions from 2 submitters: Uncertain significance (2). Last evaluated 2023-08-04.

Conditions:
Inborn genetic diseases. Identifiers: MedGen C0950123, MeSH D030342.

Allele frequency attached by ClinVar (database versions not stated): gnomAD 0.00002; TOPMed 0.00003.
gnomAD v4.1: 16 of 1,614,026 alleles (0.00099%); highest among the groups gnomAD compares: East Asian, 0.011%; no homozygotes.

Submissions (2):

Ambry Genetics
Classification: Uncertain significance for Inborn genetic diseases. Last evaluated: 2023-08-04. Review status: criteria provided, single submitter. Criteria: Ambry Variant Classification Scheme 2023. Collection method: clinical testing. Allele origin: germline.

Labcorp Genetics (formerly Invitae), Labcorp
Classification: Uncertain significance. Last evaluated: 2022-05-27. Review status: criteria provided, single submitter. Criteria: Invitae Variant Classification Sherloc (09022015). Collection method: clinical testing. Allele origin: germline.
Comment: This sequence change replaces arginine, which is basic and polar, with histidine, which is basic and polar, at codon 1256 of the CEP152 protein (p.Arg1256His). This variant is present in population databases (rs763565731, gnomAD 0.02%). This variant has not been reported in the literature in individuals affected with CEP152-related conditions. Algorithms developed to predict the effect of missense changes on protein structure and function are either unavailable or do not agree on the potential impact of this missense change (SIFT: "Tolerated"; PolyPhen-2: "Possibly Damaging"; Align-GVGD: "Class C0"). In summary, the available evidence is currently insufficient to determine the role of this variant in disease. Therefore, it has been classified as a Variant of Uncertain Significance.

NM_001194998.2(CEP152):c.3935G>A (p.Arg1312His)

Gene: CEP152 (centrosomal protein 152; minus strand). Cytogenetic location: 15q21.1.
Variant type: single nucleotide variant.
Coding change: c.3935G>A on transcript NM_001194998.2 (MANE Select); coding-DNA position 3935, G replaced by A.
Protein change: p.Arg1312His; replaces arginine 1312 with histidine.
Molecular consequence: missense variant.
Genome position (GRCh38, 1-based): chr15:48,742,001, C>T on the plus strand (G>A on the coding strand, the complement: CEP152 is on the minus strand). VCF-style: chr15-48742001-C-T. GRCh37 (hg19) VCF-style: chr15-49034198-C-T.
Other names: c.3767G>A, p.Arg1256His (NM_014985.4); c.3767G>A (NM_014985.3); short protein forms R1256H, R1312H.
Identifiers: ClinVar variation 1918888 (VCV001918888.4), dbSNP rs763565731, ClinGen allele CA7548224.